The following is an entry in ClinVar:

NM_000143.4(FH):c.280A>G (p.Lys94Glu)

Gene: FH (fumarate hydratase; minus strand). Cytogenetic location: 1q43.
Variant type: single nucleotide variant.
Coding change: c.280A>G on transcript NM_000143.4 (MANE Select); coding-DNA position 280, A replaced by G.
Protein change: p.Lys94Glu; replaces lysine 94 with glutamic acid.
Molecular consequence: missense variant.
Genome position (GRCh38, 1-based): chr1:241,513,701, T>C on the plus strand (A>G on the coding strand, the complement: FH is on the minus strand). VCF-style: chr1-241513701-T-C. GRCh37 (hg19) VCF-style: chr1-241677001-T-C.
Other names: short protein forms K94E.
Identifiers: ClinVar variation 5021754 (VCV005021754.1).
Genomic context (GRCh38, chr1:241,513,701, plus strand): 5'-GATCAAGACCATAATCCTGGTTTACTTCAGCGGCCGCTCGCTTCAAGATGCCAAAAGCTT[T>C]AATAACTGGGGTCTAAAATTAATCAGAAAAATATTTCAAATTTACAATTTTACTTAAGCA-3'
Protein context (NP_000134.2, residues 84-104): VTERMPTPVI[Lys94Glu]AFGILKRAAA

ClinVar aggregate classification (germline): Uncertain significance (1 of 4 stars; one submission).

Conditions:
Hereditary cancer-predisposing syndrome. Also called: Neoplastic Syndromes, Hereditary; Tumor predisposition; Hereditary neoplastic syndrome; Hereditary Cancer Syndrome. Identifiers: Orphanet 140162, MedGen C0027672, MeSH D009386, MONDO:0015356.

Submission:

Ambry Genetics
Classification: Uncertain significance for Hereditary cancer-predisposing syndrome. Last evaluated: 2026-07-07. Review status: criteria provided, single submitter. Criteria: Ambry Variant Classification Scheme 2023. Collection method: clinical testing. Allele origin: germline.
Comment: The p.K94E variant (also known as c.280A>G), located in coding exon 3 of the FH gene, results from an A to G substitution at nucleotide position 280. The lysine at codon 94 is replaced by glutamic acid, an amino acid with similar properties. This amino acid position is conserved. In addition, the in silico prediction for this alteration is inconclusive. Based on the available evidence, the clinical significance of this variant remains unclear.